The following is an entry in ClinVar:

ClinVar aggregate classification (germline): Uncertain significance (1 of 4 stars; one submission).

gnomAD v4.1: 1 of 1,614,090 alleles (0.000062%); no homozygotes.

Submission:

Labcorp Genetics (formerly Invitae), Labcorp
Classification: Uncertain significance. Last evaluated: 2023-01-20. Review status: criteria provided, single submitter. Criteria: Invitae Variant Classification Sherloc (09022015). Collection method: clinical testing. Allele origin: germline.
Comment: This sequence change replaces phenylalanine, which is neutral and non-polar, with leucine, which is neutral and non-polar, at codon 195 of the NEUROD1 protein (p.Phe195Leu). This variant is present in population databases (no rsID available, gnomAD 0.0009%). This variant has not been reported in the literature in individuals affected with NEUROD1-related conditions. Advanced modeling of protein sequence and biophysical properties (such as structural, functional, and spatial information, amino acid conservation, physicochemical variation, residue mobility, and thermodynamic stability) performed at Invitae indicates that this missense variant is not expected to disrupt NEUROD1 protein function. In summary, the available evidence is currently insufficient to determine the role of this variant in disease. Therefore, it has been classified as a Variant of Uncertain Significance.

NM_002500.5(NEUROD1):c.583T>C (p.Phe195Leu)

Gene: NEUROD1 (neuronal differentiation 1; minus strand). Cytogenetic location: 2q31.3.
Variant type: single nucleotide variant.
Coding change: c.583T>C on transcript NM_002500.5 (MANE Select); coding-DNA position 583, T replaced by C.
Protein change: p.Phe195Leu; replaces phenylalanine 195 with leucine.
Molecular consequence: missense variant.
Genome position (GRCh38, 1-based): chr2:181,678,278, A>G on the plus strand (T>C on the coding strand, the complement: NEUROD1 is on the minus strand). VCF-style: chr2-181678278-A-G. GRCh37 (hg19) VCF-style: chr2-182543005-A-G.
Other names: short protein forms F195L.
Identifiers: ClinVar variation 2830524 (VCV002830524.3), dbSNP rs1398851696, ClinGen allele CA349784147.